The following is an entry in ClinVar:

NM_002299.4(LCT):c.181A>T (p.Met61Leu)

Gene: LCT (lactase; minus strand). Cytogenetic location: 2q21.3.
Variant type: single nucleotide variant.
Coding change: c.181A>T on transcript NM_002299.4 (MANE Select); coding-DNA position 181, A replaced by T.
Protein change: p.Met61Leu; replaces methionine 61 with leucine.
Molecular consequence: missense variant.
Genome position (GRCh38, 1-based): chr2:135,836,989, T>A on the plus strand (A>T on the coding strand, the complement: LCT is on the minus strand). VCF-style: chr2-135836989-T-A. GRCh37 (hg19) VCF-style: chr2-136594559-T-A.
Other names: short protein forms M61L.
Identifiers: ClinVar variation 3727403 (VCV003727403.2).
Genomic context (GRCh38, chr2:135,836,989, plus strand): 5'-CATGGAGACTGCTGAAGTATTCTGGCAGGAAAGTGGGCAGTGGCTGGTGACAAACATACA[T>A]GTCTTTGTCCCCTGCTACAAAGTTAGAACTCTGGTCTCCCAGGAGACCACTCAGGTTGTG-3'
Protein context (NP_002290.2, residues 51-71): SSNFVAGDKD[Met61Leu]YVCHQPLPTF

ClinVar aggregate classification (germline): Uncertain significance (1 of 4 stars; one submission).

Submission:

Labcorp Genetics (formerly Invitae), Labcorp
Classification: Uncertain significance. Last evaluated: 2024-12-16. Review status: criteria provided, single submitter. Criteria: Invitae Variant Classification Sherloc (09022015). Collection method: clinical testing. Allele origin: germline.
Comment: This sequence change replaces methionine, which is neutral and non-polar, with leucine, which is neutral and non-polar, at codon 61 of the LCT protein (p.Met61Leu). This variant is not present in population databases (gnomAD no frequency). This variant has not been reported in the literature in individuals affected with LCT-related conditions. An algorithm developed to predict the effect of missense changes on protein structure and function (PolyPhen-2) suggests that this variant is likely to be tolerated. In summary, the available evidence is currently insufficient to determine the role of this variant in disease. Therefore, it has been classified as a Variant of Uncertain Significance.